The following is an entry in ClinVar:

NM_001080512.3(BICC1):c.600+7A>G

Gene: BICC1 (BicC family RNA binding protein 1; plus strand). Cytogenetic location: 10q21.1.
Variant type: single nucleotide variant.
Coding change: c.600+7A>G on transcript NM_001080512.3 (MANE Select); 7 bases into the intron after coding-DNA position 600, A replaced by G.
Molecular consequence: intron variant.
Genome position (GRCh38, 1-based): chr10:58,788,430, A>G. VCF-style: chr10-58788430-A-G. GRCh37 (hg19) VCF-style: chr10-60548190-A-G.
Other names: c.600+7A>G (NM_001080512.2).
Identifiers: ClinVar variation 2904207 (VCV002904207.4), dbSNP rs532399999, ClinGen allele CA5508281.
Genomic context (GRCh38, chr10:58,788,430, plus strand): 5'-GTATCTATAGCGGGACAACCAGCAGGAGTAGAATCTGCCCGAGTTAGAATTCGGGTAACT[A>G]TTTATTACTTTAACATTGTAAATTGATGTCAGCAACATTTGCATTATAAGGCACTAAAAA-3'

ClinVar aggregate classification (germline): Likely benign. Review status: criteria provided, multiple submitters, no conflicts (2 of 4 stars). 2 submissions from 2 submitters: Likely benign (2). Last evaluated 2024-12-27.

Conditions:
BICC1-related disorder. Also called: BICC1-related condition.

Allele frequency attached by ClinVar (database versions not stated): TOPMed 0.00001; gnomAD 0.00007; ExAC 0.00024; 1000 Genomes Project 30x 0.00031; 1000 Genomes Project 0.00040.
gnomAD v4.1: 156 of 1,597,290 alleles (0.0098%); highest among the groups gnomAD compares: South Asian, 0.15%; 1 homozygote.

Submissions (2):

PreventionGenetics, part of Exact Sciences
Classification: Likely benign for BICC1-related condition. Last evaluated: 2024-12-27. Review status: criteria provided, single submitter. Criteria: ACMG Guidelines, 2015. Collection method: clinical testing. Allele origin: germline.
Comment: This variant is classified as likely benign based on ACMG/AMP sequence variant interpretation guidelines (Richards et al. 2015 PMID: 25741868, with internal and published modifications).

Labcorp Genetics (formerly Invitae), Labcorp
Classification: Likely benign. Last evaluated: 2023-06-24. Review status: criteria provided, single submitter. Criteria: Invitae Variant Classification Sherloc (09022015). Collection method: clinical testing. Allele origin: germline.